The following is an entry in ClinVar:

NM_001260.3(CDK8):c.835T>A (p.Leu279Ile)

Gene: CDK8 (cyclin dependent kinase 8; plus strand). Cytogenetic location: 13q12.13.
Variant type: single nucleotide variant.
Coding change: c.835T>A on transcript NM_001260.3 (MANE Select); coding-DNA position 835, T replaced by A.
Protein change: p.Leu279Ile; replaces leucine 279 with isoleucine.
Molecular consequence: missense variant.
Genome position (GRCh38, 1-based): chr13:26,396,329, T>A. VCF-style: chr13-26396329-T-A. GRCh37 (hg19) VCF-style: chr13-26970466-T-A.
Other names: c.835T>A, p.Leu279Ile (NM_001318368.2); c.316T>A, p.Leu106Ile (NM_001346501.2); short protein forms L106I, L279I.
Identifiers: ClinVar variation 4879578 (VCV004879578.1).

ClinVar aggregate classification (germline): Uncertain significance (1 of 4 stars; one submission).

Conditions:
Intellectual developmental disorder with hypotonia and behavioral abnormalities. Identifiers: MedGen C5231489, MONDO:0032897, OMIM 618748.

Submission:

Victorian Clinical Genetics Services, Murdoch Childrens Research Institute
Classification: Uncertain significance for Intellectual developmental disorder with hypotonia and behavioral abnormalities. Last evaluated: 2026-03-16. Review status: criteria provided, single submitter. Criteria: ACMG Guidelines, 2015. Collection method: clinical testing. Allele origin: germline. Affected: yes.
Comment: This variant is classified as VUS-3A. Evidence in support of pathogenic classification: Variant is absent from gnomAD (v2, v3 and v4); Evidence in support of benign classification: Missense variant predicted to be tolerated by in silico tool(s) or not conserved in placental mammals with a minor amino acid change. Additional information: Variant is predicted to result in a missense amino acid change from Leu to Ile; This variant is heterozygous; This gene is associated with autosomal dominant disease; This variant has no previous evidence of pathogenicity; No published evidence of segregation with disease has been identified for this variant; No published functional evidence has been identified for this variant; No comparable missense variants have previous evidence for pathogenicity; Variant is located in the annotated protein kinase domain (DECIPHER); The mechanism of disease for this gene is not clearly established. However, there is evidence supporting a loss of function mechanism (PMID: 30905399).

Literature cited by the submitters: PubMed 30905399.